The following is an entry in ClinVar:

ClinVar aggregate classification (germline): Likely benign (0 of 4 stars; one submission).

Conditions:
UGT1A1-related disorder. Also called: UGT1A1-related condition; UGT1A1-related disorders.

Allele frequency attached by ClinVar (database versions not stated): gnomAD exomes below 0.00001.
gnomAD v4.1: 1 of 1,614,176 alleles (0.000062%); highest among the groups gnomAD compares: Admixed American, 0.0017%; no homozygotes.

Submission:

PreventionGenetics, part of Exact Sciences
Classification: Likely benign for UGT1A1-related condition. Last evaluated: 2022-06-09. Review status: no assertion criteria provided. Collection method: clinical testing. Allele origin: germline.
Comment: This variant is classified as likely benign based on ACMG/AMP sequence variant interpretation guidelines (Richards et al. 2015 PMID: 25741868, with internal and published modifications).

NM_000463.3(UGT1A1):c.864+10G>A

Genes: UGT1A (UDP glucuronosyltransferase family 1 member A complex locus; plus strand), UGT1A1 (UDP glucuronosyltransferase family 1 member A1; plus strand), UGT1A10 (UDP glucuronosyltransferase family 1 member A10; plus strand), UGT1A3 (UDP glucuronosyltransferase family 1 member A3; plus strand), UGT1A4 (UDP glucuronosyltransferase family 1 member A4; plus strand) and 5 more. Cytogenetic location: 2q37.1.
Variant type: single nucleotide variant.
Coding change: c.864+10G>A on transcript NM_000463.3 (MANE Select); 10 bases into the intron after coding-DNA position 864, G replaced by A.
Molecular consequence: intron variant.
Genome position (GRCh38, 1-based): chr2:233,761,161, G>A. VCF-style: chr2-233761161-G-A. GRCh37 (hg19) VCF-style: chr2-234669807-G-A.
Other names: c.856-5873G>A (NM_019076.5, NM_019075.4, NM_021027.3 and 1 more transcripts); c.61-5873G>A (NM_205862.3); c.862-5873G>A (NM_001072.4); c.868-5873G>A (NM_019078.2, NM_007120.3, NM_019093.4).
Identifiers: ClinVar variation 3054675 (VCV003054675.2), dbSNP rs1276914496, ClinGen allele CA540069957.